The following is an entry in ClinVar:

ClinVar aggregate classification (germline): Uncertain significance (1 of 4 stars; one submission).

gnomAD v4.1: 2 of 1,613,866 alleles (0.00012%); highest among the groups gnomAD compares: South Asian, 0.0022%; no homozygotes.

Submission:

Ambry Genetics
Classification: Uncertain significance. Last evaluated: 2025-03-01. Review status: criteria provided, single submitter. Criteria: Ambry Variant Classification Scheme 2023. Collection method: clinical testing. Allele origin: germline.
Comment: The p.P80A variant (also known as c.238C>G), located in coding exon 3 of the RAD51B gene, results from a C to G substitution at nucleotide position 238. The proline at codon 80 is replaced by alanine, an amino acid with highly similar properties. This amino acid position is conserved. In addition, this alteration is predicted to be tolerated by in silico analysis. Based on the available evidence, the clinical significance of this variant remains unclear.

NM_133510.4(RAD51B):c.238C>G (p.Pro80Ala)

Gene: RAD51B (RAD51 paralog B; plus strand). Cytogenetic location: 14q24.1.
Variant type: single nucleotide variant.
Coding change: c.238C>G on transcript NM_133510.4 (MANE Select); coding-DNA position 238, C replaced by G.
Protein change: p.Pro80Ala; replaces proline 80 with alanine.
Molecular consequence: missense variant. On other transcripts: 5 prime UTR variant (1).
Genome position (GRCh38, 1-based): chr14:67,835,119, C>G. VCF-style: chr14-67835119-C-G. GRCh37 (hg19) VCF-style: chr14-68301836-C-G.
Other names: c.238C>G, p.Pro80Ala (NM_001321809.2, NM_001321810.2, NM_001321812.1 and 6 more transcripts); c.124C>G, p.Pro42Ala (NM_001321815.1); c.-218C>G (NM_001321817.2); short protein forms P80A, P42A.
Identifiers: ClinVar variation 3786469 (VCV003786469.1).